The following is an entry in ClinVar:

ClinVar aggregate classification (germline): Conflicting classifications of pathogenicity. Review status: criteria provided, conflicting classifications (1 of 4 stars). 3 submissions from 3 submitters: Uncertain significance (2); Likely benign (1). Last evaluated 2024-09-05.

Allele frequency attached by ClinVar (database versions not stated): gnomAD exomes 0.00001 and 0.00002; TOPMed 0.00002; gnomAD 0.00003.
gnomAD v4.1: 28 of 1,537,174 alleles (0.0018%); highest among the groups gnomAD compares: Non-Finnish European, 0.0024%; no homozygotes.

Submissions (3):

Blueprint Genetics
Classification: Likely benign. Last evaluated: 2024-09-05. Review status: criteria provided, single submitter. Criteria: ACMG Guidelines, 2015. Collection method: clinical testing. Allele origin: germline.

Labcorp Genetics (formerly Invitae), Labcorp
Classification: Uncertain significance. Last evaluated: 2024-01-29. Review status: criteria provided, single submitter. Criteria: Invitae Variant Classification Sherloc (09022015). Collection method: clinical testing. Allele origin: germline.
Comment: This sequence change replaces proline, which is neutral and non-polar, with leucine, which is neutral and non-polar, at codon 85 of the CHD8 protein (p.Pro85Leu). This variant is present in population databases (no rsID available, gnomAD 0.003%). This variant has not been reported in the literature in individuals affected with CHD8-related conditions. ClinVar contains an entry for this variant (Variation ID: 287272). An algorithm developed to predict the effect of missense changes on protein structure and function (PolyPhen-2) suggests that this variant is likely to be tolerated. In summary, the available evidence is currently insufficient to determine the role of this variant in disease. Therefore, it has been classified as a Variant of Uncertain Significance.

Eurofins Ntd Llc (ga)
Classification: Uncertain significance. Last evaluated: 2016-04-19. Review status: criteria provided, single submitter. Criteria: EGL Classification Definitions 2015. Collection method: clinical testing. Allele origin: germline. Observed: 1 variant allele, 1 heterozygote.

NM_001170629.2(CHD8):c.254C>T (p.Pro85Leu)

Gene: CHD8 (chromodomain helicase DNA binding protein 8; minus strand). Cytogenetic location: 14q11.2.
Variant type: single nucleotide variant.
Coding change: c.254C>T on transcript NM_001170629.2 (MANE Select); coding-DNA position 254, C replaced by T.
Protein change: p.Pro85Leu; replaces proline 85 with leucine.
Molecular consequence: missense variant. On other transcripts: intron variant (1).
Genome position (GRCh38, 1-based): chr14:21,431,390, G>A on the plus strand (C>T on the coding strand, the complement: CHD8 is on the minus strand). VCF-style: chr14-21431390-G-A. GRCh37 (hg19) VCF-style: chr14-21899549-G-A.
Other names: c.6+421C>T (NM_020920.4); short protein forms P85L.
Identifiers: ClinVar variation 287272 (VCV000287272.9), dbSNP rs886043611, ClinGen allele CA10605725.